The following is an entry in ClinVar:

NM_000540.3(RYR1):c.8311-4C>T

Genes: RYR1 (ryanodine receptor 1; plus strand), LOC126862902 (BRD4-independent group 4 enhancer GRCh37_chr19:38995830-38997029; plus strand). Cytogenetic location: 19q13.2.
Variant type: single nucleotide variant.
Coding change: c.8311-4C>T on transcript NM_000540.3 (MANE Select); 4 bases into the intron before coding-DNA position 8311, C replaced by T.
Molecular consequence: intron variant.
Genome position (GRCh38, 1-based): chr19:38,505,305, C>T. VCF-style: chr19-38505305-C-T. GRCh37 (hg19) VCF-style: chr19-38995945-C-T.
Other names: c.8311-4C>T (NM_001042723.2).
Identifiers: ClinVar variation 478289 (VCV000478289.10), dbSNP rs575528695, ClinGen allele CA071820.

ClinVar aggregate classification (germline): Conflicting classifications of pathogenicity. Review status: criteria provided, conflicting classifications (1 of 4 stars). 3 submissions from 3 submitters: Uncertain significance (1); Benign (1); Likely benign (1). Last evaluated 2025-12-03.

Conditions:
RYR1-related disorder. Also called: RYR1-related condition; RYR1-related disorders. Identifiers: MedGen CN239331.
Malignant hyperthermia, susceptibility to, 1 (MHS1). Also called: Anesthesia related hyperthermia; Malignant hyperpyrexia; Fulminating hyperpyrexia; Pharmacogenic myopathy; Malignant hyperthermia suceptibility 1; RYR1-Related Malignant Hyperthermia Susceptibility. Identifiers: Orphanet 423, MedGen C2930980, MONDO:0007783, OMIM 145600.

Allele frequency attached by ClinVar (database versions not stated): TOPMed 0.00001; gnomAD exomes 0.00003 and 0.00013; ExAC 0.00017; 1000 Genomes Project 0.00020; 1000 Genomes Project 30x 0.00031; gnomAD 0.00001.

Submissions (3):

Labcorp Genetics (formerly Invitae), Labcorp
Classification: Benign for RYR1-related disorder. Last evaluated: 2025-12-03. Review status: criteria provided, single submitter. Criteria: Invitae Variant Classification Sherloc (09022015). Collection method: clinical testing. Allele origin: germline.

All of Us Research Program, National Institutes of Health
Classification: Uncertain significance for Malignant hyperthermia, susceptibility to, 1. Last evaluated: 2023-12-01. Review status: criteria provided, single submitter. Criteria: ACMG Guidelines, 2015. Collection method: clinical testing. Allele origin: germline. Inheritance: Autosomal dominant inheritance. Observed: 2 variant alleles, 2 heterozygotes.
Comment: This study involves interpretation of variants in research participants for the purpose of population health screening. Participant phenotype was not available at the time of variant classification. Additional details can be found in publication PMID: 35346344, PMCID: PMC8962531

Color Diagnostics, LLC DBA Color Health
Classification: Likely benign for Malignant hyperthermia, susceptibility to, 1. Last evaluated: 2022-12-12. Review status: criteria provided, single submitter. Criteria: ACMG Guidelines, 2015. Collection method: clinical testing. Allele origin: germline.